The following is an entry in ClinVar:

ClinVar aggregate classification (germline): Conflicting classifications of pathogenicity. Review status: criteria provided, conflicting classifications (1 of 4 stars). 4 submissions from 4 submitters: Uncertain significance (1); Likely benign (2). 1 of the submissions does not count toward it. Last evaluated 2025-11-18.

Conditions:
FBN3-related disorder. Also called: FBN3-related condition.

Allele frequency attached by ClinVar (database versions not stated): gnomAD exomes 0.00011 and 0.00030; ExAC 0.00089; gnomAD 0.00130 and 0.00135; TOPMed 0.00136; ESP Exome Variant Server 0.00139; 1000 Genomes Project 30x 0.00297; 1000 Genomes Project 0.00300.
gnomAD v4.1: 364 of 1,568,642 alleles (0.023%); highest among the groups gnomAD compares: African/African-American, 0.44%; 1 homozygote.

Submissions (4):

Labcorp Genetics (formerly Invitae), Labcorp
Classification: Likely benign. Last evaluated: 2025-11-18. Review status: criteria provided, single submitter. Criteria: Invitae Variant Classification Sherloc (09022015). Collection method: clinical testing. Allele origin: germline.

Ambry Genetics
Classification: Uncertain significance. Last evaluated: 2025-08-21. Review status: criteria provided, single submitter. Criteria: Ambry Variant Classification Scheme 2023. Collection method: clinical testing. Allele origin: germline.

Breakthrough Genomics
Classification: Likely benign. Review status: criteria provided, single submitter. Criteria: ACMG Guidelines, 2015. Collection method: not provided. Allele origin: germline. Inheritance: Unknown mechanism. Affected: yes.

PreventionGenetics, part of Exact Sciences
Classification: Likely benign for FBN3-related condition. Last evaluated: 2020-11-24. Review status: no assertion criteria provided. Collection method: clinical testing. Allele origin: germline. Not counted in ClinVar's aggregate classification.
Comment: This variant is classified as likely benign based on ACMG/AMP sequence variant interpretation guidelines (Richards et al. 2015 PMID: 25741868, with internal and published modifications).

NM_032447.5(FBN3):c.175G>A (p.Val59Met)

Gene: FBN3 (fibrillin 3; minus strand). Cytogenetic location: 19p13.2.
Variant type: single nucleotide variant.
Coding change: c.175G>A on transcript NM_032447.5 (MANE Select); coding-DNA position 175, G replaced by A.
Protein change: p.Val59Met; replaces valine 59 with methionine.
Molecular consequence: missense variant.
Genome position (GRCh38, 1-based): chr19:8,147,179, C>T on the plus strand (G>A on the coding strand, the complement: FBN3 is on the minus strand). VCF-style: chr19-8147179-C-T. GRCh37 (hg19) VCF-style: chr19-8212063-C-T.
Other names: c.175G>A (NM_032447.3, NM_001321431.1); c.175G>A, p.Val59Met (NM_001321431.2); short protein forms V59M.
Identifiers: ClinVar variation 739912 (VCV000739912.12), dbSNP rs144943251, ClinGen allele CA9153838.
Genomic context (GRCh38, chr19:8,147,179, plus strand): 5'-TCCTGCCAGGGAATGTCCTCCAGCCTGGACAGCAGTAGGCATGGAACCGGGAGCCGCACA[C>T]ATTCGGCCTTCGGGGACAGCGAGATGGGTCTGGTGAGCCCCTGCCCGTGTGGACATCCCC-3'
Protein context (NP_115823.3, residues 49-69): GSPGILQGPN[Val59Met]CGSRFHAYCC